The following is an entry in ClinVar:

ClinVar aggregate classification (germline): Uncertain significance (1 of 4 stars; one submission).

Allele frequency attached by ClinVar (database versions not stated): gnomAD exomes below 0.00001.
gnomAD v4.1: 1 of 1,613,866 alleles (0.000062%); highest among the groups gnomAD compares: Admixed American, 0.0017%; no homozygotes.

Submission:

Labcorp Genetics (formerly Invitae), Labcorp
Classification: Uncertain significance. Last evaluated: 2022-05-04. Review status: criteria provided, single submitter. Criteria: Invitae Variant Classification Sherloc (09022015). Collection method: clinical testing. Allele origin: germline.
Comment: This variant has not been reported in the literature in individuals affected with FBLN5-related conditions. This variant is not present in population databases (gnomAD no frequency). This sequence change replaces asparagine, which is neutral and polar, with isoleucine, which is neutral and non-polar, at codon 73 of the FBLN5 protein (p.Asn73Ile). In summary, the available evidence is currently insufficient to determine the role of this variant in disease. Therefore, it has been classified as a Variant of Uncertain Significance. Algorithms developed to predict the effect of missense changes on protein structure and function are either unavailable or do not agree on the potential impact of this missense change (SIFT: "Deleterious"; PolyPhen-2: "Possibly Damaging"; Align-GVGD: "Class C0").

NM_006329.4(FBLN5):c.218A>T (p.Asn73Ile)

Gene: FBLN5 (fibulin 5; minus strand). Cytogenetic location: 14q32.12.
Variant type: single nucleotide variant.
Coding change: c.218A>T on transcript NM_006329.4 (MANE Select); coding-DNA position 218, A replaced by T.
Protein change: p.Asn73Ile; replaces asparagine 73 with isoleucine.
Molecular consequence: missense variant.
Genome position (GRCh38, 1-based): chr14:91,937,108, T>A on the plus strand (A>T on the coding strand, the complement: FBLN5 is on the minus strand). VCF-style: chr14-91937108-T-A. GRCh37 (hg19) VCF-style: chr14-92403452-T-A.
Other names: c.341A>T, p.Asn114Ile (NM_001384158.1); c.269A>T, p.Asn90Ile (NM_001384159.1); c.218A>T, p.Asn73Ile (NM_001384160.1); c.50A>T, p.Asn17Ile (NM_001384161.1, NM_001384162.1); short protein forms N17I, N114I, N73I, N90I.
Identifiers: ClinVar variation 2179176 (VCV002179176.4), dbSNP rs2542901026, ClinGen allele CA390639927.